The following is an entry in ClinVar:

NM_005689.4(ABCB6):c.2351+6G>A

Gene: ABCB6 (ATP binding cassette subfamily B member 6 (LAN blood group); minus strand). Cytogenetic location: 2q35.
Variant type: single nucleotide variant.
Coding change: c.2351+6G>A on transcript NM_005689.4 (MANE Select); 6 bases into the intron after coding-DNA position 2351, G replaced by A.
Molecular consequence: intron variant.
Genome position (GRCh38, 1-based): chr2:219,210,375, C>T on the plus strand (G>A on the coding strand, the complement: ABCB6 is on the minus strand). VCF-style: chr2-219210375-C-T. GRCh37 (hg19) VCF-style: chr2-220075097-C-T.
Other names: c.2213+6G>A (NM_001349828.2).
Identifiers: ClinVar variation 2959818 (VCV002959818.3), dbSNP rs375028287, ClinGen allele CA2118949.

ClinVar aggregate classification (germline): Uncertain significance (1 of 4 stars; one submission).

Allele frequency attached by ClinVar (database versions not stated): ExAC 0.00002; gnomAD exomes 0.00004; ESP Exome Variant Server 0.00008; gnomAD 0.00015; TOPMed 0.00027.

Submission:

Labcorp Genetics (formerly Invitae), Labcorp
Classification: Uncertain significance. Last evaluated: 2023-04-26. Review status: criteria provided, single submitter. Criteria: Invitae Variant Classification Sherloc (09022015). Collection method: clinical testing. Allele origin: germline.
Comment: This sequence change falls in intron 17 of the ABCB6 gene. It does not directly change the encoded amino acid sequence of the ABCB6 protein. It affects a nucleotide within the consensus splice site. In summary, the available evidence is currently insufficient to determine the role of this variant in disease. Therefore, it has been classified as a Variant of Uncertain Significance. Variants that disrupt the consensus splice site are a relatively common cause of aberrant splicing (PMID: 17576681, 9536098). Algorithms developed to predict the effect of sequence changes on RNA splicing suggest that this variant is not likely to affect RNA splicing. This variant has not been reported in the literature in individuals affected with ABCB6-related conditions. This variant is present in population databases (rs375028287, gnomAD 0.02%).

Literature cited by the submitters: PubMed 17576681; PubMed 9536098.